The following is an entry in ClinVar:

ClinVar aggregate classification (germline): Uncertain significance (1 of 4 stars; one submission).

Conditions:
Peroxisome biogenesis disorder 2B (PBD2B). Identifiers: Orphanet 44, MedGen C3550234, MONDO:0008736, OMIM 202370.

Submission:

Labcorp Genetics (formerly Invitae), Labcorp
Classification: Uncertain significance for Peroxisome biogenesis disorder 2B. Last evaluated: 2022-03-01. Review status: criteria provided, single submitter. Criteria: Invitae Variant Classification Sherloc (09022015). Collection method: clinical testing. Allele origin: germline.
Comment: In summary, the available evidence is currently insufficient to determine the role of this variant in disease. Therefore, it has been classified as a Variant of Uncertain Significance. Algorithms developed to predict the effect of missense changes on protein structure and function (SIFT, PolyPhen-2, Align-GVGD) all suggest that this variant is likely to be tolerated. This variant has not been reported in the literature in individuals affected with PEX5-related conditions. This variant is not present in population databases (gnomAD no frequency). This sequence change replaces glutamine, which is neutral and polar, with arginine, which is basic and polar, at codon 96 of the PEX5 protein (p.Gln96Arg).

NM_001351132.2(PEX5):c.287A>G (p.Gln96Arg)

Gene: PEX5 (peroxisomal biogenesis factor 5; plus strand). Cytogenetic location: 12p13.31.
Variant type: single nucleotide variant.
Coding change: c.287A>G on transcript NM_001351132.2 (MANE Select); coding-DNA position 287, A replaced by G.
Protein change: p.Gln96Arg; replaces glutamine 96 with arginine.
Molecular consequence: missense variant.
Genome position (GRCh38, 1-based): chr12:7,191,329, A>G. VCF-style: chr12-7191329-A-G. GRCh37 (hg19) VCF-style: chr12-7343925-A-G.
Other names: c.287A>G, p.Gln96Arg (NM_000319.5, NM_001131024.2, NM_001131025.2 and 19 more transcripts); c.332A>G, p.Gln111Arg (NM_001131023.2, NM_001351135.3, NM_001351138.2); short protein forms Q111R, Q96R.
Identifiers: ClinVar variation 2091889 (VCV002091889.2), dbSNP rs2539833762, ClinGen allele CA383711490.